The following is an entry in ClinVar:

ClinVar aggregate classification (germline): Uncertain significance. Review status: reviewed by expert panel (3 of 4 stars). 5 submissions from 5 submitters: Uncertain significance (1). 4 of the submissions do not count toward it. Last evaluated 2025-02-28.

Conditions:
Angelman syndrome-like. Identifiers: MedGen CN128785.
Developmental and epileptic encephalopathy, 2 (DEE2). Also called: INFANTILE SPASM SYNDROME, X-LINKED 2; CDKL5 deficiency disorder. Identifiers: Orphanet 1934, Orphanet 3451, Orphanet 505652, MedGen C4750718, MONDO:0010396, OMIM 300672.
CDKL5 disorder. Identifiers: MedGen CN296942, MONDO:0100039.

gnomAD v4.1: 1 of 1,193,867 alleles (0.000084%); no homozygotes.

Submissions (5):

ClinGen Rett and Angelman-like Disorders Variant Curation Expert Panel
Classification: Uncertain significance for CDKL5 disorder. Last evaluated: 2025-02-28. Review status: reviewed by expert panel. Criteria: ClinGen RettAS ACMG Specifications CDKL5 V3.0.0. Collection method: curation. Allele origin: germline. Inheritance: X-linked inheritance.
Comment: The highest population minor allele frequency of the c.530A>G (p.Tyr177Cys) variant in CDKL5 in gnomAD v4.1 is 0.00002 in "Remaining" populations (does not meet PM2 criteria). The computational predictor REVEL gives a score of 0.872, which is above the threshold of 0.75, evidence that correlates with impact to CDKL5 function (PP3). In vitro kinase assays showed that this variant impacts protein function (PMID 27265524) (PS3_Supporting). The p.Tyr177Cys variant has been observed in at least 2 individuals with CDKL5 disorder (PMID 27265524, 33436160). However, PS4 cannot be applied because PM2 does not apply (PS4_not met). In summary, the p.Tyr177Cys variant in CDKL5 is classified as a Variant of Uncertain Significance based on the ACMG/AMP criteria (PP3, PS3_Supporting) (CDKL5 Specifications v.3.0; curation approved on 02/28/2025).

Centre for Population Genomics, CPG
Classification: Uncertain significance for CDKL5 disorder. Last evaluated: 2024-09-05. Review status: criteria provided, single submitter. Criteria: McKnight et al. (Hum Mutat. 2022). Collection method: curation. Allele origin: germline. Inheritance: X-linked inheritance. Not counted in ClinVar's aggregate classification.
Comment: This variant has been collected from RettBASE and curated to current modified ACMG/AMP criteria. Based on the classification scheme defined by the ClinGen Rett/Angelman-like Expert Panel for Rett/AS-like Disorders Specifications to the ACMG/AMP Variant Interpretation Guidelines VCEP 3.0, this variant is classified as variant of uncertain significance. At least the following criteria are met: Has been observed in at least 3 individuals with phenotypes consistent with CDKL5 disorder (PS4_Moderate, PMID: 27265524, PMID: 33436160, ClinVar Variation ID: 1496916). Computational prediction analysis tools suggests a deleterious impact (REVEL score>= 0.75) (PP3). This variant is absent from gnomAD (PM2_Supporting). Well-established in vitro or in vivo functional studies supportive of a damaging effect on the protein function (PS3_supporting, PMID: 27265524).

Labcorp Genetics (formerly Invitae), Labcorp
Classification: Likely pathogenic for Developmental and epileptic encephalopathy, 2; Angelman syndrome-like. Last evaluated: 2022-05-27. Review status: criteria provided, single submitter. Criteria: Invitae Variant Classification Sherloc (09022015). Collection method: clinical testing. Allele origin: germline. Not counted in ClinVar's aggregate classification.
Comment: This sequence change replaces tyrosine, which is neutral and polar, with cysteine, which is neutral and slightly polar, at codon 177 of the CDKL5 protein (p.Tyr177Cys). In summary, the currently available evidence indicates that the variant is pathogenic, but additional data are needed to prove that conclusively. Therefore, this variant has been classified as Likely Pathogenic. Advanced modeling of protein sequence and biophysical properties (such as structural, functional, and spatial information, amino acid conservation, physicochemical variation, residue mobility, and thermodynamic stability) performed at Invitae indicates that this missense variant is expected to disrupt CDKL5 protein function. This missense change has been observed in individuals with atypical Rett syndrome and/or CDKL5-related conditions (PMID: 27265524, 33436160). This variant is not present in population databases (gnomAD no frequency).

Mendelics
Classification: Likely pathogenic for Developmental and epileptic encephalopathy, 2. Last evaluated: 2022-05-04. Review status: criteria provided, single submitter. Criteria: Mendelics Assertion Criteria 2019. Collection method: clinical testing. Allele origin: germline. Not counted in ClinVar's aggregate classification.

Blueprint Genetics
Classification: Uncertain significance. Last evaluated: 2021-04-26. Review status: criteria provided, single submitter. Criteria: ACMG Guidelines, 2015. Collection method: clinical testing. Allele origin: germline. Not counted in ClinVar's aggregate classification.

Literature cited by the submitters: PubMed 27265524 (cited by Labcorp Genetics (formerly Invitae), Labcorp); PubMed 33436160 (cited by Labcorp Genetics (formerly Invitae), Labcorp).

NM_001323289.2(CDKL5):c.530A>G (p.Tyr177Cys)

Gene: CDKL5 (cyclin dependent kinase like 5; plus strand). Cytogenetic location: Xp22.13.
Variant type: single nucleotide variant.
Coding change: c.530A>G on transcript NM_001323289.2 (MANE Select); coding-DNA position 530, A replaced by G.
Protein change: p.Tyr177Cys; replaces tyrosine 177 with cysteine.
Molecular consequence: missense variant.
Genome position (GRCh38, 1-based): chrX:18,584,329, A>G. VCF-style: chrX-18584329-A-G. GRCh37 (hg19) VCF-style: chrX-18602449-A-G.
Other names: NM_001323289.2(CDKL5):c.530A>G; p.Tyr177Cys; c.530A>G, p.Tyr177Cys (NM_001037343.2, NM_003159.3); short protein forms Y177C.
Identifiers: ClinVar variation 1496916 (VCV001496916.12), dbSNP rs2147145573, ClinGen allele CA412352481.